The following is an entry in ClinVar:

ClinVar aggregate classification (germline): Uncertain significance (1 of 4 stars; one submission).

Submission:

Labcorp Genetics (formerly Invitae), Labcorp
Classification: Uncertain significance. Last evaluated: 2022-06-14. Review status: criteria provided, single submitter. Criteria: Invitae Variant Classification Sherloc (09022015). Collection method: clinical testing. Allele origin: germline.
Comment: In summary, the available evidence is currently insufficient to determine the role of this variant in disease. Therefore, it has been classified as a Variant of Uncertain Significance. Algorithms developed to predict the effect of sequence changes on RNA splicing suggest that this variant may disrupt the consensus splice site. This variant has not been reported in the literature in individuals affected with GPAA1-related conditions. This variant is not present in population databases (gnomAD no frequency). This sequence change falls in intron 10 of the GPAA1 gene. It does not directly change the encoded amino acid sequence of the GPAA1 protein.

NM_003801.4(GPAA1):c.1452-19_1452-18insATT

Gene: GPAA1 (glycosylphosphatidylinositol anchor attachment 1; plus strand). Cytogenetic location: 8q24.3.
Variant type: Insertion.
Coding change: c.1452-19_1452-18insATT on transcript NM_003801.4 (MANE Select); 19 bases into the intron before coding-DNA position 1452 through 18 bases into the intron before coding-DNA position 1452, ATT inserted.
Molecular consequence: intron variant.
Genome position: GRCh38 VCF-style: chr8-144085553-C-CTAT. GRCh37 (hg19) VCF-style: chr8-145140456-C-CTAT.
Identifiers: ClinVar variation 1966218 (VCV001966218.5), dbSNP rs782259698, ClinGen allele CA2580078687.